The following is an entry in ClinVar:

NM_014989.7(RIMS1):c.39C>G (p.Pro13=)

Gene: RIMS1 (regulating synaptic membrane exocytosis 1; plus strand). Cytogenetic location: 6q13.
Variant type: single nucleotide variant.
Coding change: c.39C>G on transcript NM_014989.7 (MANE Select); coding-DNA position 39, C replaced by G.
Protein change: p.Pro13=; no amino-acid change (proline 13 retained).
Molecular consequence: synonymous variant.
Genome position (GRCh38, 1-based): chr6:71,887,062, C>G. VCF-style: chr6-71887062-C-G. GRCh37 (hg19) VCF-style: chr6-72596765-C-G.
Other names: c.39C>G, p.Pro13= (NM_001350411.1, NM_001350412.1, NM_001350413.1).
Identifiers: ClinVar variation 912254 (VCV000912254.14), dbSNP rs538562890, ClinGen allele CA3885370.

ClinVar aggregate classification (germline): Benign/Likely benign. Review status: criteria provided, multiple submitters, no conflicts (2 of 4 stars). 3 submissions from 3 submitters: Benign (1); Likely benign (2). Last evaluated 2025-08-15.

Conditions:
Cone-rod dystrophy 7 (CORD7). Identifiers: Orphanet 1872, MedGen C1863634, MONDO:0011355, OMIM 603649.

Allele frequency attached by ClinVar (database versions not stated): TOPMed 0.00001; gnomAD 0.00003 and 0.00007; gnomAD exomes 0.00006; ExAC 0.00008; 1000 Genomes Project 30x 0.00078; 1000 Genomes Project 0.00100.
gnomAD v4.1: 28 of 1,613,552 alleles (0.0017%); highest among the groups gnomAD compares: East Asian, 0.06%; no homozygotes.

Submissions (3):

Labcorp Genetics (formerly Invitae), Labcorp
Classification: Benign. Last evaluated: 2025-08-15. Review status: criteria provided, single submitter. Criteria: Invitae Variant Classification Sherloc (09022015). Collection method: clinical testing. Allele origin: germline.

Blueprint Genetics
Classification: Likely benign. Last evaluated: 2022-12-12. Review status: criteria provided, single submitter. Criteria: ACMG Guidelines, 2015. Collection method: clinical testing. Allele origin: germline.

Illumina Laboratory Services, Illumina
Classification: Likely benign for Cone-rod dystrophy 7. Last evaluated: 2018-01-12. Review status: criteria provided, single submitter. Criteria: ICSL Variant Classification Criteria 13 December 2019. Collection method: clinical testing. Allele origin: germline.
Comment: This variant was observed in the ICSL laboratory as part of a predisposition screen in an ostensibly healthy population. It had not been previously curated by ICSL or reported in the Human Gene Mutation Database (HGMD: prior to June 1st, 2018), and was therefore a candidate for classification through an automated scoring system. Utilizing variant allele frequency, disease prevalence and penetrance estimates, and inheritance mode, an automated score was calculated to assess if this variant is too frequent to cause the disease. Based on the score and internal cut-off values, a variant classified as likely benign is not then subjected to further curation. The score for this variant resulted in a classification of likely benign for this disease.